The following is an entry in ClinVar:

ClinVar aggregate classification (germline): Uncertain significance. Review status: criteria provided, multiple submitters, no conflicts (2 of 4 stars). 2 submissions from 2 submitters: Uncertain significance (2). Last evaluated 2024-11-09.

Conditions:
Inborn genetic diseases. Identifiers: MedGen C0950123, MeSH D030342.

Allele frequency attached by ClinVar (database versions not stated): gnomAD exomes below 0.00001; gnomAD 0.00002; ExAC 0.00003; TOPMed 0.00005.

Submissions (2):

Labcorp Genetics (formerly Invitae), Labcorp
Classification: Uncertain significance. Last evaluated: 2024-11-09. Review status: criteria provided, single submitter. Criteria: Invitae Variant Classification Sherloc (09022015). Collection method: clinical testing. Allele origin: germline.
Comment: This sequence change replaces alanine, which is neutral and non-polar, with threonine, which is neutral and polar, at codon 310 of the PLS3 protein (p.Ala310Thr). The frequency data for this variant in the population databases is considered unreliable, as metrics indicate poor data quality at this position in the gnomAD database. This variant has not been reported in the literature in individuals affected with PLS3-related conditions. ClinVar contains an entry for this variant (Variation ID: 2484587). Invitae Evidence Modeling of protein sequence and biophysical properties (such as structural, functional, and spatial information, amino acid conservation, physicochemical variation, residue mobility, and thermodynamic stability) indicates that this missense variant is not expected to disrupt PLS3 protein function with a negative predictive value of 80%. In summary, the available evidence is currently insufficient to determine the role of this variant in disease. Therefore, it has been classified as a Variant of Uncertain Significance.

Ambry Genetics
Classification: Uncertain significance for Inborn genetic diseases. Last evaluated: 2023-02-15. Review status: criteria provided, single submitter. Criteria: Ambry Variant Classification Scheme 2023. Collection method: clinical testing. Allele origin: germline.

NM_005032.7(PLS3):c.928G>A (p.Ala310Thr)

Gene: PLS3 (plastin 3; plus strand). Cytogenetic location: Xq23.
Variant type: single nucleotide variant.
Coding change: c.928G>A on transcript NM_005032.7 (MANE Select); coding-DNA position 928, G replaced by A.
Protein change: p.Ala310Thr; replaces alanine 310 with threonine.
Molecular consequence: missense variant.
Genome position (GRCh38, 1-based): chrX:115,640,444, G>A. VCF-style: chrX-115640444-G-A. GRCh37 (hg19) VCF-style: chrX-114874756-G-A.
Other names: c.928G>A, p.Ala310Thr (NM_001136025.5); c.847G>A, p.Ala283Thr (NM_001172335.3); c.889G>A, p.Ala297Thr (NM_001282337.2); c.793G>A, p.Ala265Thr (NM_001282338.2); short protein forms A283T, A265T, A310T, A297T.
Identifiers: ClinVar variation 2484587 (VCV002484587.4), dbSNP rs781988960, ClinGen allele CA10496980.
Genomic context (GRCh38, chrX:115,640,444, plus strand): 5'-ACTGACATTTTCAATTCTTTGTAGGATTCCAAAGCCTATTTCCATCTTCTCAATCAAATC[G>A]CACCAAAAGGACAAAAGGAAGGTGAACCACGGATAGATATTAACATGTCAGGTTTCAATG-3'
Protein context (NP_005023.2, residues 300-320): KAYFHLLNQI[Ala310Thr]PKGQKEGEPR